The following is an entry in ClinVar:

ClinVar aggregate classification (germline): Likely pathogenic (1 of 4 stars; one submission).

Submission:

GeneDx
Classification: Likely pathogenic. Last evaluated: 2021-10-26. Review status: criteria provided, single submitter. Criteria: GeneDx Variant Classification Process June 2021. Collection method: clinical testing. Allele origin: germline. Affected: yes.
Comment: Frameshift variant predicted to result in protein truncation or nonsense mediated decay in a gene for which loss-of-function is a known mechanism of disease; Not observed at significant frequency in large population cohorts (Lek et al., 2016); Has not been previously published as pathogenic or benign to our knowledge

NM_002485.5(NBN):c.2108_2109dup (p.Gly704fs)

Gene: NBN (nibrin; minus strand). Cytogenetic location: 8q21.3.
Variant type: Duplication.
Coding change: c.2108_2109dup on transcript NM_002485.5 (MANE Select); coding-DNA positions 2108 to 2109, 2 bases duplicated (TT; older notation c.2108_2109dupTT).
Protein change: p.Gly704fs; shifts the reading frame from glycine 704.
Molecular consequence: frameshift variant.
Genome position (GRCh38, 1-based): chr8:89,943,328-89,943,329, AA duplicated on the plus strand (TT on the coding strand, the reverse complement: NBN is on the minus strand). VCF-style (leftmost placement, unchanged base first): chr8-89943327-C-CAA. GRCh37 (hg19) VCF-style: chr8-90955555-C-CAA.
Other names: c.2108_2109dupTT (NM_002485.4); c.1862_1863dup, p.Gly622fs (NM_001024688.3); short protein forms G704fs, G622fs.
Identifiers: ClinVar variation 234736 (VCV000234736.3), dbSNP rs876661189, ClinGen allele CA10577364.
Genomic context (GRCh38, chr8:89,943,327, plus strand): 5'-TTAGCCACTCTTCTAGTTCTGTATTCTTTCGAGCATGATGAGCTATTAGATCTGATCCTC[C>CAA]AATGATGTGTGGAAGTTTTCCTGCTCCAGGATATGTGACCTATTGAATAATAAAAGTAGT-3'